The following is an entry in ClinVar:

NM_001204.7(BMPR2):c.641A>T (p.Tyr214Phe)

Gene: BMPR2 (bone morphogenetic protein receptor type 2; plus strand). Cytogenetic location: 2q33.2.
Variant type: single nucleotide variant.
Coding change: c.641A>T on transcript NM_001204.7 (MANE Select); coding-DNA position 641, A replaced by T.
Protein change: p.Tyr214Phe; replaces tyrosine 214 with phenylalanine.
Molecular consequence: missense variant.
Genome position (GRCh38, 1-based): chr2:202,518,841, A>T. VCF-style: chr2-202518841-A-T. GRCh37 (hg19) VCF-style: chr2-203383564-A-T.
Other names: short protein forms Y214F.
Identifiers: ClinVar variation 2081298 (VCV002081298.5), dbSNP rs774243835, ClinGen allele CA2061181.
Genomic context (GRCh38, chr2:202,518,841, plus strand): 5'-ATTGTGATATTAATACCTTGCTTTCTTTAAAACACTTGCAGCTGATTGGCCGAGGTCGAT[A>T]TGGAGCAGTATATAAAGGCTCCTTGGATGAGCGTCCAGTTGCTGTAAAAGTGTTTTCCTT-3'
Protein context (NP_001195.2, residues 204-224): KLLELIGRGR[Tyr214Phe]GAVYKGSLDE

ClinVar aggregate classification (germline): Conflicting classifications of pathogenicity. Review status: criteria provided, conflicting classifications (1 of 4 stars). 2 submissions from 2 submitters: Uncertain significance (1); Likely benign (1). Last evaluated 2025-05-02.

Conditions:
Primary pulmonary hypertension. Also called: Idiopathic pulmonary hypertension. Identifiers: MedGen C0152171.
Inborn genetic diseases. Identifiers: MedGen C0950123, MeSH D030342.

Allele frequency attached by ClinVar (database versions not stated): gnomAD exomes below 0.00001; ExAC 0.00001.
gnomAD v4.1: 7 of 1,614,106 alleles (0.00043%); highest among the groups gnomAD compares: South Asian, 0.0077%; no homozygotes.

Submissions (2):

Ambry Genetics
Classification: Uncertain significance for Inborn genetic diseases. Last evaluated: 2025-05-02. Review status: criteria provided, single submitter. Criteria: Ambry Variant Classification Scheme 2023. Collection method: clinical testing. Allele origin: germline.
Comment: The p.Y214F variant (also known as c.641A>T), located in coding exon 6 of the BMPR2 gene, results from an A to T substitution at nucleotide position 641. The tyrosine at codon 214 is replaced by phenylalanine, an amino acid with highly similar properties. This amino acid position is conserved. In addition, the in silico prediction for this alteration is inconclusive. Based on the available evidence, the clinical significance of this variant remains unclear.

Labcorp Genetics (formerly Invitae), Labcorp
Classification: Likely benign for Primary pulmonary hypertension. Last evaluated: 2022-08-16. Review status: criteria provided, single submitter. Criteria: Invitae Variant Classification Sherloc (09022015). Collection method: clinical testing. Allele origin: germline.